The following is an entry in ClinVar:

ClinVar aggregate classification (germline): Benign/Likely benign. Review status: criteria provided, multiple submitters, no conflicts (2 of 4 stars). 5 submissions from 5 submitters: Benign (3); Likely benign (2). Last evaluated 2026-02-01.

Conditions:
Immunodeficiency, common variable, 2 (CVID2). Also called: ANTIBODY DEFICIENCY DUE TO TACI DEFECT; HYPOGAMMAGLOBULINEMIA DUE TO TACI DEFICIENCY. Identifiers: Orphanet 1572, MedGen C3150354, MONDO:0009413, OMIM 240500.

Allele frequency attached by ClinVar (database versions not stated): gnomAD exomes 0.00139 and 0.00346; ExAC 0.00464; gnomAD 0.01467 and 0.01589; 1000 Genomes Project 0.01478; TOPMed 0.01580; ESP Exome Variant Server 0.01676.
gnomAD v4.1: 4,314 of 1,611,408 alleles (0.27%); highest among the groups gnomAD compares: African/African-American, 5.2%; 112 homozygotes.

Submissions (5):

Labcorp Genetics (formerly Invitae), Labcorp
Classification: Benign for Immunodeficiency, common variable, 2. Last evaluated: 2026-02-01. Review status: criteria provided, single submitter. Criteria: Invitae Variant Classification Sherloc (09022015). Collection method: clinical testing. Allele origin: germline.

ARUP Laboratories, Molecular Genetics and Genomics, ARUP Laboratories
Classification: Benign. Last evaluated: 2025-07-08. Review status: criteria provided, single submitter. Criteria: ARUP Molecular Germline Variant Investigation Process 2024. Collection method: clinical testing. Allele origin: germline.

Women's Health and Genetics/Laboratory Corporation of America, LabCorp
Classification: Benign. Last evaluated: 2018-08-22. Review status: criteria provided, single submitter. Criteria: LabCorp Variant Classification Summary - May 2015. Collection method: clinical testing. Allele origin: germline.
Comment: Variant summary: TNFRSF13B c.563A>T (p.Lys188Met) results in a non-conservative amino acid change located in the intracellular domain (Fried 2011) of the encoded protein sequence. Three of five in-silico tools predict a benign effect of the variant on protein function. The variant allele was found at a frequency of 0.0046 in 276498 control chromosomes in the gnomAD database, including 27 homozygotes. The observed variant frequency is approximately 1600 fold above the estimated maximal expected allele frequency for a pathogenic variant in TNFRSF13B causing Common Variable Immunodeficiency (CVID) phenotype (2.9e-06), strongly suggesting that the variant is benign. Though c.563A>T has been reported in the literature in individual(s) affected with sporadic CVID (Grimbacher 2006), this report does not provide unequivocal conclusions about association of the variant with CVID. At least one publication reports experimental evidence evaluating an impact on protein function. These results showed no damaging effect of this variant for protein expression, ligand binding and signaling function (Fried 2011). Three clinical diagnostic laboratories have submitted clinical-significance assessments for this variant to ClinVar after 2014 without evidence for independent evaluation. All laboratories classified the variant as benign/likely benign. Based on the evidence outlined above, the variant was classified as benign.

Center for Pediatric Genomic Medicine, Children's Mercy Hospital and Clinics
Classification: Likely benign. Last evaluated: 2015-08-17. Review status: criteria provided, single submitter. Criteria: ACMG Guidelines, 2015. Collection method: clinical testing. Allele origin: germline.
ClinVar note: Converted during submission from Likely Benign to Likely benign.

Breakthrough Genomics
Classification: Likely benign. Review status: criteria provided, single submitter. Criteria: ACMG Guidelines, 2015. Collection method: not provided. Allele origin: germline. Inheritance: Autosomal recessive inheritance. Affected: yes.

Literature cited by the submitters: PubMed 18978466 (cited by Women's Health and Genetics/Laboratory Corporation of America, LabCorp); PubMed 21419480 (cited by Women's Health and Genetics/Laboratory Corporation of America, LabCorp); PubMed 21724465 (cited by Women's Health and Genetics/Laboratory Corporation of America, LabCorp).

NM_012452.3(TNFRSF13B):c.563A>T (p.Lys188Met)

Gene: TNFRSF13B (TNF receptor superfamily member 13B; minus strand). Cytogenetic location: 17p11.2.
Variant type: single nucleotide variant.
Coding change: c.563A>T on transcript NM_012452.3 (MANE Select); coding-DNA position 563, A replaced by T.
Protein change: p.Lys188Met; replaces lysine 188 with methionine.
Molecular consequence: missense variant.
Genome position (GRCh38, 1-based): chr17:16,940,394, T>A on the plus strand (A>T on the coding strand, the complement: TNFRSF13B is on the minus strand). VCF-style: chr17-16940394-T-A. GRCh37 (hg19) VCF-style: chr17-16843708-T-A.
Other names: short protein forms K188M.
Identifiers: ClinVar variation 235322 (VCV000235322.18), dbSNP rs74811083, ClinGen allele CA8413950.